The following is an entry in ClinVar:

ClinVar aggregate classification (germline): Uncertain significance. Review status: criteria provided, multiple submitters, no conflicts (2 of 4 stars). 2 submissions from 2 submitters: Uncertain significance (2). Last evaluated 2025-03-03.

Conditions:
Fetal akinesia deformation sequence 1 (FADS1). Also called: Pena-Shokeir syndrome type I; Fetal akinesia sequence. Identifiers: Orphanet 994, MedGen C1276035, MONDO:0100101, OMIM 208150, HP:0001989.
Congenital myasthenic syndrome 9. Also called: Myasthenic syndrome, congenital, 9, associated with acetylcholine receptor deficiency. Identifiers: Orphanet 590, MedGen C4225368, MONDO:0014587, OMIM 616325.

Allele frequency attached by ClinVar (database versions not stated): gnomAD 0.00001; TOPMed below 0.00001; gnomAD exomes 0.00004; ExAC 0.00002.
gnomAD v4.1: 97 of 1,613,720 alleles (0.006%); highest among the groups gnomAD compares: Non-Finnish European, 0.0075%; no homozygotes.

Submissions (2):

Revvity Omics, Revvity
Classification: Uncertain significance. Last evaluated: 2025-03-03. Review status: criteria provided, single submitter. Criteria: ACMG Guidelines, 2015. Collection method: clinical testing. Allele origin: germline.

Labcorp Genetics (formerly Invitae), Labcorp
Classification: Uncertain significance for Congenital myasthenic syndrome 9; Fetal akinesia deformation sequence 1. Last evaluated: 2021-08-31. Review status: criteria provided, single submitter. Criteria: Invitae Variant Classification Sherloc (09022015). Collection method: clinical testing. Allele origin: germline.
Comment: This sequence change replaces leucine with methionine at codon 15 of the MUSK protein (p.Leu15Met). The leucine residue is moderately conserved and there is a small physicochemical difference between leucine and methionine. This variant is present in population databases (rs746254848, ExAC 0.03%). This variant has not been reported in the literature in individuals affected with MUSK-related conditions. Advanced modeling of protein sequence and biophysical properties (such as structural, functional, and spatial information, amino acid conservation, physicochemical variation, residue mobility, and thermodynamic stability) performed at Invitae indicates that this missense variant is not expected to disrupt MUSK protein function. In summary, the available evidence is currently insufficient to determine the role of this variant in disease. Therefore, it has been classified as a Variant of Uncertain Significance.

NM_005592.4(MUSK):c.43C>A (p.Leu15Met)

Gene: MUSK (muscle associated receptor tyrosine kinase; plus strand). Cytogenetic location: 9q31.3.
Variant type: single nucleotide variant.
Coding change: c.43C>A on transcript NM_005592.4 (MANE Select); coding-DNA position 43, C replaced by A.
Protein change: p.Leu15Met; replaces leucine 15 with methionine.
Molecular consequence: missense variant.
Genome position (GRCh38, 1-based): chr9:110,668,947, C>A. VCF-style: chr9-110668947-C-A. GRCh37 (hg19) VCF-style: chr9-113431227-C-A.
Other names: c.43C>A, p.Leu15Met (NM_001166280.2, NM_001166281.2); short protein forms L15M.
Identifiers: ClinVar variation 1053029 (VCV001053029.7), dbSNP rs746254848, ClinGen allele CA5183895.
Genomic context (GRCh38, chr9:110,668,947, plus strand): 5'-CGTGAGCCTGGATTAATCATGAGAGAGCTCGTCAACATTCCACTGGTACATATTCTTACT[C>A]TGGTTGCCTTCAGCGGAACTGAGAAACTTCCAAAAGGTTGGTTTGAGCAATCGTGTCTTC-3'
Protein context (NP_005583.1, residues 5-25): VNIPLVHILT[Leu15Met]VAFSGTEKLP